The following is an entry in ClinVar:

NM_002454.3(MTRR):c.1537G>A (p.Gly513Arg)

Gene: MTRR (5-methyltetrahydrofolate-homocysteine methyltransferase reductase; plus strand). Cytogenetic location: 5p15.31.
Variant type: single nucleotide variant.
Coding change: c.1537G>A on transcript NM_002454.3 (MANE Select); coding-DNA position 1537, G replaced by A.
Protein change: p.Gly513Arg; replaces glycine 513 with arginine.
Molecular consequence: missense variant. On other transcripts: non-coding transcript variant (14).
Genome position (GRCh38, 1-based): chr5:7,892,893, G>A. VCF-style: chr5-7892893-G-A. GRCh37 (hg19) VCF-style: chr5-7893006-G-A.
Other names: c.1537G>A, p.Gly513Arg (NM_001364440.2, NM_001364441.2, NM_001364442.2 and 1 more transcripts); c.1537G>A (NM_002454.2); short protein forms G513R.
Identifiers: ClinVar variation 1357137 (VCV001357137.7), dbSNP rs150411351, ClinGen allele CA3195965.

ClinVar aggregate classification (germline): Conflicting classifications of pathogenicity. Review status: criteria provided, conflicting classifications (1 of 4 stars). 3 submissions from 3 submitters: Uncertain significance (2); Likely benign (1). Last evaluated 2024-09-02.

Conditions:
Methylcobalamin deficiency type cblE (HMAE). Also called: HOMOCYSTINURIA-MEGALOBLASTIC ANEMIA, cblE COMPLEMENTATION TYPE; HOMOCYSTINURIA-MEGALOBLASTIC ANEMIA, cblE TYPE; VITAMIN B12-RESPONSIVE HOMOCYSTINURIA, cblE TYPE. Identifiers: Orphanet 2169, Orphanet 622, MedGen C1856057, MONDO:0009354, OMIM 236270.
Neural tube defects, folate-sensitive (NTDFS). Also called: NTD, FOLATE-SENSITIVE. Identifiers: Orphanet 823, MedGen C1866558, MONDO:0011120, OMIM 601634.
Inborn genetic diseases. Identifiers: MedGen C0950123, MeSH D030342.

Allele frequency attached by ClinVar (database versions not stated): gnomAD 0.00006 and 0.00007; TOPMed 0.00008; gnomAD exomes 0.00012 and 0.00016; ExAC 0.00014; ESP Exome Variant Server 0.00015; 1000 Genomes Project 30x 0.00016; 1000 Genomes Project 0.00020.
gnomAD v4.1: 192 of 1,614,120 alleles (0.012%); highest among the groups gnomAD compares: South Asian, 0.06%; no homozygotes.

Submissions (3):

Ambry Genetics
Classification: Likely benign for Inborn genetic diseases. Last evaluated: 2024-09-02. Review status: criteria provided, single submitter. Criteria: Ambry Variant Classification Scheme 2023. Collection method: clinical testing. Allele origin: germline.

Labcorp Genetics (formerly Invitae), Labcorp
Classification: Uncertain significance for Methylcobalamin deficiency type cblE. Last evaluated: 2022-09-08. Review status: criteria provided, single submitter. Criteria: Invitae Variant Classification Sherloc (09022015). Collection method: clinical testing. Allele origin: germline.
Comment: This sequence change replaces glycine, which is neutral and non-polar, with arginine, which is basic and polar, at codon 513 of the MTRR protein (p.Gly513Arg). This variant is present in population databases (rs150411351, gnomAD 0.1%). This variant has not been reported in the literature in individuals affected with MTRR-related conditions. ClinVar contains an entry for this variant (Variation ID: 1357137). Advanced modeling of protein sequence and biophysical properties (such as structural, functional, and spatial information, amino acid conservation, physicochemical variation, residue mobility, and thermodynamic stability) performed at Invitae indicates that this missense variant is not expected to disrupt MTRR protein function. In summary, the available evidence is currently insufficient to determine the role of this variant in disease. Therefore, it has been classified as a Variant of Uncertain Significance.

Fulgent Genetics
Classification: Uncertain significance for Methylcobalamin deficiency type cblE; Neural tube defects, folate-sensitive. Last evaluated: 2022-01-28. Review status: criteria provided, single submitter. Criteria: ACMG Guidelines, 2015. Collection method: clinical testing. Allele origin: unknown.